The following is an entry in ClinVar:

ClinVar aggregate classification (germline): Uncertain significance (1 of 4 stars; one submission).

Conditions:
Saldino-Mainzer syndrome (SRTD9). Also called: CONORENAL SYNDROME; SHORT-RIB THORACIC DYSPLASIA 9 WITHOUT POLYDACTYLY; short-rib thoracic dysplasia 9 with or without polydactyly; Renal dysplasia, retinal pigmentary dystrophy, cerebellar ataxia and skeletal dysplasia. Identifiers: Orphanet 140969, MedGen C1849437, MONDO:0009964, OMIM 266920.

Submission:

Labcorp Genetics (formerly Invitae), Labcorp
Classification: Uncertain significance for Saldino-Mainzer syndrome. Last evaluated: 2022-03-10. Review status: criteria provided, single submitter. Criteria: Invitae Variant Classification Sherloc (09022015). Collection method: clinical testing. Allele origin: germline.
Comment: In summary, the available evidence is currently insufficient to determine the role of this variant in disease. Therefore, it has been classified as a Variant of Uncertain Significance. Algorithms developed to predict the effect of missense changes on protein structure and function are either unavailable or do not agree on the potential impact of this missense change (SIFT: "Tolerated"; PolyPhen-2: "Possibly Damaging"; Align-GVGD: "Class C0"). ClinVar contains an entry for this variant (Variation ID: 957159). This variant has not been reported in the literature in individuals affected with IFT140-related conditions. This variant is not present in population databases (gnomAD no frequency). This sequence change replaces tyrosine, which is neutral and polar, with cysteine, which is neutral and slightly polar, at codon 1396 of the IFT140 protein (p.Tyr1396Cys).

NM_014714.4(IFT140):c.4187A>G (p.Tyr1396Cys)

Gene: IFT140 (intraflagellar transport 140; minus strand). Cytogenetic location: 16p13.3.
Variant type: single nucleotide variant.
Coding change: c.4187A>G on transcript NM_014714.4 (MANE Select); coding-DNA position 4187, A replaced by G.
Protein change: p.Tyr1396Cys; replaces tyrosine 1396 with cysteine.
Molecular consequence: missense variant.
Genome position (GRCh38, 1-based): chr16:1,511,146, T>C on the plus strand (A>G on the coding strand, the complement: IFT140 is on the minus strand). VCF-style: chr16-1511146-T-C. GRCh37 (hg19) VCF-style: chr16-1561147-T-C.
Other names: short protein forms Y1396C.
Identifiers: ClinVar variation 957159 (VCV000957159.9), dbSNP rs2040132765, ClinGen allele CA394222580.